The following is an entry in ClinVar:

NM_001127198.5(TMC6):c.1522G>C (p.Val508Leu)

Gene: TMC6 (transmembrane channel like 6; minus strand). Cytogenetic location: 17q25.3.
Variant type: single nucleotide variant.
Coding change: c.1522G>C on transcript NM_001127198.5 (MANE Select); coding-DNA position 1522, G replaced by C.
Protein change: p.Val508Leu; replaces valine 508 with leucine.
Molecular consequence: missense variant.
Genome position (GRCh38, 1-based): chr17:78,121,026, C>G on the plus strand (G>C on the coding strand, the complement: TMC6 is on the minus strand). VCF-style: chr17-78121026-C-G. GRCh37 (hg19) VCF-style: chr17-76117107-C-G.
Other names: c.1522G>C, p.Val508Leu (NM_001321185.1, NM_001374593.1, NM_001374594.1 and 4 more transcripts); short protein forms V508L.
Identifiers: ClinVar variation 963469 (VCV000963469.1), dbSNP rs1273438063, ClinGen allele CA401227982.

ClinVar aggregate classification (germline): Uncertain significance (1 of 4 stars; one submission).

Conditions:
Epidermodysplasia verruciformis. Identifiers: Orphanet 302, MedGen C0014522, MONDO:0009176.

gnomAD v4.1: 3 of 1,613,266 alleles (0.00019%); highest among the groups gnomAD compares: Admixed American, 0.0017%; no homozygotes.

Submission:

Labcorp Genetics (formerly Invitae), Labcorp
Classification: Uncertain significance for Epidermodysplasia verruciformis. Last evaluated: 2019-10-15. Review status: criteria provided, single submitter. Criteria: Invitae Variant Classification Sherloc (09022015). Collection method: clinical testing. Allele origin: germline.
Comment: This sequence change replaces valine with leucine at codon 508 of the TMC6 protein (p.Val508Leu). The valine residue is moderately conserved and there is a small physicochemical difference between valine and leucine. This variant is not present in population databases (ExAC no frequency). This variant has not been reported in the literature in individuals with TMC6-related conditions. Algorithms developed to predict the effect of missense changes on protein structure and function output the following: SIFT: "Tolerated"; PolyPhen-2: "Benign"; Align-GVGD: "Class C0". The leucine amino acid residue is found in multiple mammalian species, suggesting that this missense change does not adversely affect protein function. These predictions have not been confirmed by published functional studies and their clinical significance is uncertain. In summary, the available evidence is currently insufficient to determine the role of this variant in disease. Therefore, it has been classified as a Variant of Uncertain Significance.